The following is an entry in ClinVar:

ClinVar aggregate classification (germline): Uncertain significance. Review status: criteria provided, multiple submitters, no conflicts (2 of 4 stars). 2 submissions from 2 submitters: Uncertain significance (2). Last evaluated 2025-09-05.

Conditions:
Hypertrophic cardiomyopathy. Also called: HYPERTROPHIC MYOCARDIOPATHY. Identifiers: Orphanet 217569, MedGen C0007194, MeSH D002312, MONDO:0005045, HP:0001639.

gnomAD v4.1: 1 of 1,610,626 alleles (0.000062%); highest among the groups gnomAD compares: African/African-American, 0.0013%; no homozygotes.

Submissions (2):

Ambry Genetics
Classification: Uncertain significance. Last evaluated: 2025-09-05. Review status: criteria provided, single submitter. Criteria: Ambry Variant Classification Scheme 2023. Collection method: clinical testing. Allele origin: germline.

Labcorp Genetics (formerly Invitae), Labcorp
Classification: Uncertain significance for Hypertrophic cardiomyopathy. Last evaluated: 2025-08-11. Review status: criteria provided, single submitter. Criteria: Invitae Variant Classification Sherloc (09022015). Collection method: clinical testing. Allele origin: germline.
Comment: This sequence change replaces lysine, which is basic and polar, with glutamic acid, which is acidic and polar, at codon 1407 of the MYOM1 protein (p.Lys1407Glu). This variant is not present in population databases (gnomAD no frequency). This variant has not been reported in the literature in individuals affected with MYOM1-related conditions. Invitae Evidence Modeling of protein sequence and biophysical properties (such as structural, functional, and spatial information, amino acid conservation, physicochemical variation, residue mobility, and thermodynamic stability) indicates that this missense variant is not expected to disrupt MYOM1 protein function with a negative predictive value of 80%. In summary, the available evidence is currently insufficient to determine the role of this variant in disease. Therefore, it has been classified as a Variant of Uncertain Significance.

NM_003803.4(MYOM1):c.4219A>G (p.Lys1407Glu)

Gene: MYOM1 (myomesin 1; minus strand). Cytogenetic location: 18p11.31.
Variant type: single nucleotide variant.
Coding change: c.4219A>G on transcript NM_003803.4 (MANE Select); coding-DNA position 4219, A replaced by G.
Protein change: p.Lys1407Glu; replaces lysine 1407 with glutamic acid.
Molecular consequence: missense variant.
Genome position (GRCh38, 1-based): chr18:3,086,070, T>C on the plus strand (A>G on the coding strand, the complement: MYOM1 is on the minus strand). VCF-style: chr18-3086070-T-C. GRCh37 (hg19) VCF-style: chr18-3086068-T-C.
Other names: c.3931A>G, p.Lys1311Glu (NM_019856.2); short protein forms K1407E, K1311E.
Identifiers: ClinVar variation 4115997 (VCV004115997.2).